The following is an entry in ClinVar:

NM_012179.4(FBXO7):c.1217C>T (p.Ser406Phe)

Gene: FBXO7 (F-box protein 7; plus strand). Cytogenetic location: 22q12.3.
Variant type: single nucleotide variant.
Coding change: c.1217C>T on transcript NM_012179.4 (MANE Select); coding-DNA position 1217, C replaced by T.
Protein change: p.Ser406Phe; replaces serine 406 with phenylalanine.
Molecular consequence: missense variant.
Genome position (GRCh38, 1-based): chr22:32,498,178, C>T. VCF-style: chr22-32498178-C-T. GRCh37 (hg19) VCF-style: chr22-32894165-C-T.
Other names: c.980C>T, p.Ser327Phe (NM_001033024.2); c.875C>T, p.Ser292Phe (NM_001257990.2); short protein forms S292F, S327F, S406F.
Identifiers: ClinVar variation 3626506 (VCV003626506.2).

ClinVar aggregate classification (germline): Uncertain significance (1 of 4 stars; one submission).

Conditions:
Parkinsonian-pyramidal syndrome. Also called: PARKINSON DISEASE 15, AUTOSOMAL RECESSIVE; PALLIDOPYRAMIDAL SYNDROME; PARKINSON DISEASE 15, AUTOSOMAL RECESSIVE EARLY-ONSET. Identifiers: Orphanet 171695, MedGen C1850100, MONDO:0009830, OMIM 260300.

gnomAD v4.1: 8 of 1,614,028 alleles (0.0005%); highest among the groups gnomAD compares: East Asian, 0.0089%; no homozygotes.

Submission:

Labcorp Genetics (formerly Invitae), Labcorp
Classification: Uncertain significance for Parkinsonian-pyramidal syndrome. Last evaluated: 2024-10-23. Review status: criteria provided, single submitter. Criteria: Invitae Variant Classification Sherloc (09022015). Collection method: clinical testing. Allele origin: germline.
Comment: This sequence change replaces serine, which is neutral and polar, with phenylalanine, which is neutral and non-polar, at codon 406 of the FBXO7 protein (p.Ser406Phe). This variant is present in population databases (rs753460095, gnomAD 0.01%). This variant has not been reported in the literature in individuals affected with FBXO7-related conditions. Invitae Evidence Modeling of protein sequence and biophysical properties (such as structural, functional, and spatial information, amino acid conservation, physicochemical variation, residue mobility, and thermodynamic stability) indicates that this missense variant is not expected to disrupt FBXO7 protein function with a negative predictive value of 80%. In summary, the available evidence is currently insufficient to determine the role of this variant in disease. Therefore, it has been classified as a Variant of Uncertain Significance.